The following is an entry in ClinVar:

NM_201384.3(PLEC):c.5030G>T (p.Gly1677Val)

Gene: PLEC (plectin; minus strand). Cytogenetic location: 8q24.3.
Variant type: single nucleotide variant.
Coding change: c.5030G>T on transcript NM_201384.3 (MANE Select); coding-DNA position 5030, G replaced by T.
Protein change: p.Gly1677Val; replaces glycine 1677 with valine.
Molecular consequence: missense variant.
Genome position (GRCh38, 1-based): chr8:143,924,899, C>A on the plus strand (G>T on the coding strand, the complement: PLEC is on the minus strand). VCF-style: chr8-143924899-C-A. GRCh37 (hg19) VCF-style: chr8-144999067-C-A.
Other names: c.5111G>T (NM_000445.3); c.5111G>T, p.Gly1704Val (NM_000445.5); c.4988G>T, p.Gly1663Val (NM_201378.4); c.4964G>T, p.Gly1655Val (NM_201379.3); c.5441G>T, p.Gly1814Val (NM_201380.4); c.4934G>T, p.Gly1645Val (NM_201381.3); c.5030G>T, p.Gly1677Val (NM_201382.4); c.5042G>T, p.Gly1681Val (NM_201383.3); short protein forms G1814V, G1645V, G1655V, G1663V, G1677V, G1681V, G1704V.
Identifiers: ClinVar variation 597450 (VCV000597450.9), dbSNP rs1554699592, ClinGen allele CA372550347.

ClinVar aggregate classification (germline): Uncertain significance. Review status: criteria provided, multiple submitters, no conflicts (2 of 4 stars). 3 submissions from 3 submitters: Uncertain significance (3). Last evaluated 2025-05-18.

Conditions:
Epidermolysis bullosa simplex 5B, with muscular dystrophy (EBS5B). Also called: Epidermolysis bullosa simplex with muscular dystrophy; EPIDERMOLYSIS BULLOSA SIMPLEX AND LIMB-GIRDLE MUSCULAR DYSTROPHY. Identifiers: Orphanet 257, MedGen C2931072, MONDO:0009181, OMIM 226670.
Epidermolysis bullosa simplex, Ogna type (EBS5A). Also called: Pidermolysis bullosa simplex 5A, Ogna type; EPIDERMOLYSIS BULLOSA SIMPLEX 5A, OGNA TYPE. Identifiers: Orphanet 79401, MedGen C0432317, MONDO:0007555, OMIM 131950.
Epidermolysis bullosa simplex with nail dystrophy (EBS5D). Identifiers: MedGen C4225309, MONDO:0014661, OMIM 616487.
Autosomal recessive limb-girdle muscular dystrophy type 2Q (LGMDR17). Also called: MUSCULAR DYSTROPHY, LIMB-GIRDLE, AUTOSOMAL RECESSIVE 17. Identifiers: Orphanet 254361, MedGen C3150989, MONDO:0013390, OMIM 613723.
Epidermolysis bullosa simplex 5C, with pyloric atresia (EBS5C). Also called: PLEC-Related Epidermolysis Bullosa with Pyloric Atresia; Epidermolysis bullosa simplex with pyloric atresia; PLEC1-Related Epidermolysis Bullosa with Pyloric Atresia. Identifiers: Orphanet 158684, MedGen C2677349, MONDO:0012807, OMIM 612138.

gnomAD v4.1: 1 of 1,586,814 alleles (0.000063%); highest among the groups gnomAD compares: Non-Finnish European, 0.000085%; no homozygotes.

Submissions (3):

Labcorp Genetics (formerly Invitae), Labcorp
Classification: Uncertain significance for Autosomal recessive limb-girdle muscular dystrophy type 2Q; Epidermolysis bullosa simplex, Ogna type; Epidermolysis bullosa simplex with nail dystrophy; Epidermolysis bullosa simplex 5C, with pyloric atresia; Epidermolysis bullosa simplex 5B, with muscular dystrophy. Last evaluated: 2025-05-18. Review status: criteria provided, single submitter. Criteria: Invitae Variant Classification Sherloc (09022015). Collection method: clinical testing. Allele origin: germline.
Comment: This sequence change replaces glycine, which is neutral and non-polar, with valine, which is neutral and non-polar, at codon 1704 of the PLEC protein (p.Gly1704Val). This variant is not present in population databases (gnomAD no frequency). This variant has not been reported in the literature in individuals affected with PLEC-related conditions. ClinVar contains an entry for this variant (Variation ID: 597450). Experimental studies and prediction algorithms are not available or were not evaluated, and the functional significance of this variant is currently unknown. In summary, the available evidence is currently insufficient to determine the role of this variant in disease. Therefore, it has been classified as a Variant of Uncertain Significance.

Revvity Omics, Revvity
Classification: Uncertain significance. Last evaluated: 2019-03-18. Review status: criteria provided, single submitter. Criteria: ACMG Guidelines, 2015. Collection method: clinical testing. Allele origin: germline.

Eurofins Ntd Llc (ga)
Classification: Uncertain significance. Last evaluated: 2018-06-08. Review status: criteria provided, single submitter. Criteria: EGL ClinVar v180209 classification definitions. Collection method: clinical testing. Allele origin: germline. Observed: 2 variant alleles, 2 heterozygotes.